The following is an entry in ClinVar:

ClinVar aggregate classification (germline): Uncertain significance (1 of 4 stars; one submission).

Allele frequency attached by ClinVar (database versions not stated): gnomAD exomes 0.00001 and 0.00003; TOPMed 0.00003; gnomAD 0.00004; ESP Exome Variant Server 0.00008.
gnomAD v4.1: 57 of 1,610,382 alleles (0.0035%); highest among the groups gnomAD compares: Non-Finnish European, 0.0045%; no homozygotes.

Submission:

Labcorp Genetics (formerly Invitae), Labcorp
Classification: Uncertain significance. Last evaluated: 2026-01-05. Review status: criteria provided, single submitter. Criteria: Invitae Variant Classification Sherloc (09022015). Collection method: clinical testing. Allele origin: germline.
Comment: This sequence change replaces proline, which is neutral and non-polar, with leucine, which is neutral and non-polar, at codon 4 of the SEMA4A protein (p.Pro4Leu). The frequency data for this variant in the population databases is considered unreliable, as metrics indicate poor data quality at this position in the gnomAD database. This variant has not been reported in the literature in individuals affected with SEMA4A-related conditions. ClinVar contains an entry for this variant (Variation ID: 955649). An algorithm developed to predict the effect of missense changes on protein structure and function outputs the following: PolyPhen-2: "Benign". The leucine amino acid residue is found in multiple mammalian species, which suggests that this missense change does not adversely affect protein function. In summary, the available evidence is currently insufficient to determine the role of this variant in disease. Therefore, it has been classified as a Variant of Uncertain Significance.

NM_022367.4(SEMA4A):c.11C>T (p.Pro4Leu)

Gene: SEMA4A (semaphorin 4A; plus strand). Cytogenetic location: 1q22.
Variant type: single nucleotide variant.
Coding change: c.11C>T on transcript NM_022367.4 (MANE Select); coding-DNA position 11, C replaced by T.
Protein change: p.Pro4Leu; replaces proline 4 with leucine.
Molecular consequence: missense variant. On other transcripts: 5 prime UTR variant (1), intron variant (3).
Genome position (GRCh38, 1-based): chr1:156,154,589, C>T. VCF-style: chr1-156154589-C-T. GRCh37 (hg19) VCF-style: chr1-156124380-C-T.
Other names: c.11C>T, p.Pro4Leu (NM_001193300.2, NM_001193301.2, NM_001370567.1); c.-514C>T (NM_001370571.1); c.-385-1825C>T (NM_001370569.1); c.-158-1825C>T (NM_001370568.1); c.-159+825C>T (NM_001193302.2); short protein forms P4L.
Identifiers: ClinVar variation 955649 (VCV000955649.9), dbSNP rs147362942, ClinGen allele CA31028241.